The following is an entry in ClinVar:

NM_032802.4(SPPL2A):c.933-8G>T

Gene: SPPL2A (signal peptide peptidase like 2A; minus strand). Cytogenetic location: 15q21.2.
Variant type: single nucleotide variant.
Coding change: c.933-8G>T on transcript NM_032802.4 (MANE Select); 8 bases into the intron before coding-DNA position 933, G replaced by T.
Molecular consequence: intron variant.
Genome position (GRCh38, 1-based): chr15:50,732,692, C>A on the plus strand (G>T on the coding strand, the complement: SPPL2A is on the minus strand). VCF-style: chr15-50732692-C-A. GRCh37 (hg19) VCF-style: chr15-51024889-C-A.
Identifiers: ClinVar variation 1972671 (VCV001972671.5), dbSNP rs758980381, ClinGen allele CA7558364.

ClinVar aggregate classification (germline): Uncertain significance (1 of 4 stars; one submission).

Allele frequency attached by ClinVar (database versions not stated): TOPMed below 0.00001; gnomAD 0.00003; gnomAD exomes 0.00004; ExAC 0.00010.
gnomAD v4.1: 58 of 1,552,374 alleles (0.0037%); highest among the groups gnomAD compares: South Asian, 0.0079%; no homozygotes.

Submission:

Labcorp Genetics (formerly Invitae), Labcorp
Classification: Uncertain significance. Last evaluated: 2023-08-17. Review status: criteria provided, single submitter. Criteria: Invitae Variant Classification Sherloc (09022015). Collection method: clinical testing. Allele origin: germline.
Comment: ClinVar contains an entry for this variant (Variation ID: 1972671). In summary, the available evidence is currently insufficient to determine the role of this variant in disease. Therefore, it has been classified as a Variant of Uncertain Significance. Algorithms developed to predict the effect of sequence changes on RNA splicing suggest that this variant may disrupt the consensus splice site. This variant has not been reported in the literature in individuals affected with SPPL2A-related conditions. This variant is present in population databases (rs758980381, gnomAD 0.05%). This sequence change falls in intron 8 of the SPPL2A gene. It does not directly change the encoded amino acid sequence of the SPPL2A protein.